The following is an entry in ClinVar:

ClinVar aggregate classification (germline): Pathogenic (1 of 4 stars; one submission).

Conditions:
alpha Thalassemia. Also called: Alpha thalassemia spectrum. Identifiers: Orphanet 846, MedGen C0002312, MONDO:0011399, OMIM 604131.

Submission:

Natera, Inc.
Classification: Pathogenic for Alpha thalassemia. Last evaluated: 2025-11-18. Review status: criteria provided, single submitter. Criteria: Natera Variant Classification Schema (03/2026). Collection method: clinical testing. Allele origin: germline.
Comment: The c.96-41_108del variant in HBA2 is a deletion affecting a canonical splice acceptor site. This variant is expected to result in nonsense mediated decay, truncation, or a dysfunctional protein product. This variant is rare in the general population with a frequency below the threshold expected for the associated phenotype(s). Another variant at this same site results in an alteration predicted to cause a similar molecular effect has been observed in individual(s) with the associated phenotype. Given the available evidence, this variant is classified as Pathogenic.

NM_000517.6(HBA2):c.96-41_108del

Genes: HBA2 (hemoglobin subunit alpha 2; plus strand), LOC106804612 (hemoglobin subunit alpha 2 recombination region; plus strand). Cytogenetic location: 16p13.3.
Variant type: Deletion.
Coding change: c.96-41_108del on transcript NM_000517.6 (MANE Select); 41 bases into the intron before coding-DNA position 96 through coding-DNA position 108, 54 bases deleted.
Molecular consequence: splice acceptor variant.
Genome position (GRCh38, 1-based): chr16:173,084-173,137, 54 bases deleted. GRCh37 (hg19): chr16:223,083-223,136.
Identifiers: ClinVar variation 4818690 (VCV004818690.1).